The following is an entry in ClinVar:

ClinVar aggregate classification (germline): Pathogenic (1 of 4 stars; one submission).

Conditions:
Hypertrophic cardiomyopathy. Also called: HYPERTROPHIC MYOCARDIOPATHY. Identifiers: Orphanet 217569, MedGen C0007194, MeSH D002312, MONDO:0005045, HP:0001639.

Submission:

Labcorp Genetics (formerly Invitae), Labcorp
Classification: Pathogenic for Hypertrophic cardiomyopathy. Last evaluated: 2024-04-17. Review status: criteria provided, single submitter. Criteria: Invitae Variant Classification Sherloc (09022015). Collection method: clinical testing. Allele origin: germline.
Comment: This sequence change creates a premature translational stop signal (p.Ile19Aspfs*30) in the TNNI3 gene. It is expected to result in an absent or disrupted protein product. Loss-of-function variants in TNNI3 are known to be pathogenic (PMID: 31568572, 34036930, 35838873). This variant is not present in population databases (gnomAD no frequency). This premature translational stop signal has been observed in individual(s) with cardiomyopathy or arrhythmia (PMID: 26688388). For these reasons, this variant has been classified as Pathogenic.

Literature cited by the submitters: PubMed 31568572; PubMed 34036930; PubMed 35838873; PubMed 26688388.

NM_000363.5(TNNI3):c.55_58del (p.Ile19fs)

Gene: TNNI3 (troponin I3, cardiac type; minus strand). Cytogenetic location: 19q13.42.
Variant type: Deletion.
Coding change: c.55_58del on transcript NM_000363.5 (MANE Select); coding-DNA positions 55 to 58, 4 bases deleted (ATCA; older notation c.55_58delATCA).
Protein change: p.Ile19fs; shifts the reading frame from isoleucine 19.
Molecular consequence: frameshift variant.
Genome position (GRCh38, 1-based): chr19:55,157,100-55,157,103, TGAT deleted on the plus strand (ATCA on the coding strand, the reverse complement: TNNI3 is on the minus strand); deleting any 4 consecutive bases within chr19:55,157,100-55,157,105 gives the same sequence; the c. name uses the placement nearest the transcript's 3' end. VCF-style (leftmost placement, unchanged base first): chr19-55157099-CTGAT-C. GRCh37 (hg19) VCF-style: chr19-55668467-CTGAT-C.
Other names: short protein forms I19fs.
Identifiers: ClinVar variation 3706410 (VCV003706410.2).